The following is an entry in ClinVar:

ClinVar aggregate classification (germline): Likely pathogenic (1 of 4 stars; one submission).

Submission:

GeneDx
Classification: Likely pathogenic. Last evaluated: 2021-01-22. Review status: criteria provided, single submitter. Criteria: GeneDx Variant Classification Process June 2021. Collection method: clinical testing. Allele origin: germline. Affected: yes.
Comment: Not observed in large population cohorts (Lek et al., 2016); In silico analysis supports that this missense variant has a deleterious effect on protein structure/function; This variant is associated with the following publications: (PMID: 25679214)

NM_031407.7(HUWE1):c.12560G>A (p.Arg4187His)

Gene: HUWE1 (HECT, UBA and WWE domain containing E3 ubiquitin protein ligase 1; minus strand). Cytogenetic location: Xp11.22.
Variant type: single nucleotide variant.
Coding change: c.12560G>A on transcript NM_031407.7 (MANE Select); coding-DNA position 12560, G replaced by A.
Protein change: p.Arg4187His; replaces arginine 4187 with histidine.
Molecular consequence: missense variant.
Genome position (GRCh38, 1-based): chrX:53,535,473, C>T on the plus strand (G>A on the coding strand, the complement: HUWE1 is on the minus strand). VCF-style: chrX-53535473-C-T. GRCh37 (hg19) VCF-style: chrX-53562434-C-T.
Other names: short protein forms R4187H.
Identifiers: ClinVar variation 450981 (VCV000450981.3), dbSNP rs1556911750, ClinGen allele CA413148167.